The following is an entry in ClinVar:

ClinVar aggregate classification (germline): Uncertain significance (1 of 4 stars; one submission).

Submission:

Labcorp Genetics (formerly Invitae), Labcorp
Classification: Uncertain significance. Last evaluated: 2023-10-03. Review status: criteria provided, single submitter. Criteria: Invitae Variant Classification Sherloc (09022015). Collection method: clinical testing. Allele origin: germline.
Comment: This sequence change replaces threonine, which is neutral and polar, with lysine, which is basic and polar, at codon 3718 of the LRP2 protein (p.Thr3718Lys). This variant is not present in population databases (gnomAD no frequency). This variant has not been reported in the literature in individuals affected with LRP2-related conditions. ClinVar contains an entry for this variant (Variation ID: 1355029). An algorithm developed to predict the effect of missense changes on protein structure and function (PolyPhen-2) suggests that this variant is likely to be disruptive. In summary, the available evidence is currently insufficient to determine the role of this variant in disease. Therefore, it has been classified as a Variant of Uncertain Significance.

NM_004525.3(LRP2):c.11153C>A (p.Thr3718Lys)

Gene: LRP2 (LDL receptor related protein 2; minus strand). Cytogenetic location: 2q31.1.
Variant type: single nucleotide variant.
Coding change: c.11153C>A on transcript NM_004525.3 (MANE Select); coding-DNA position 11153, C replaced by A.
Protein change: p.Thr3718Lys; replaces threonine 3718 with lysine.
Molecular consequence: missense variant.
Genome position (GRCh38, 1-based): chr2:169,172,125, G>T on the plus strand (C>A on the coding strand, the complement: LRP2 is on the minus strand). VCF-style: chr2-169172125-G-T. GRCh37 (hg19) VCF-style: chr2-170028635-G-T.
Other names: short protein forms T3718K.
Identifiers: ClinVar variation 1355029 (VCV001355029.4), dbSNP rs970662570, ClinGen allele CA59908839.